The following is an entry in ClinVar:

NM_182972.3(IRF2BP2):c.443C>T (p.Pro148Leu)

Genes: IRF2BP2 (interferon regulatory factor 2 binding protein 2; minus strand), LOC129932812 (ATAC-STARR-seq lymphoblastoid silent region 1977; plus strand). Cytogenetic location: 1q42.3.
Variant type: single nucleotide variant.
Coding change: c.443C>T on transcript NM_182972.3 (MANE Select); coding-DNA position 443, C replaced by T.
Protein change: p.Pro148Leu; replaces proline 148 with leucine.
Molecular consequence: missense variant.
Genome position (GRCh38, 1-based): chr1:234,609,052, G>A on the plus strand (C>T on the coding strand, the complement: IRF2BP2 is on the minus strand). VCF-style: chr1-234609052-G-A. GRCh37 (hg19) VCF-style: chr1-234744798-G-A.
Other names: c.443C>T, p.Pro148Leu (NM_001077397.1); short protein forms P148L.
Identifiers: ClinVar variation 3694184 (VCV003694184.2).
Genomic context (GRCh38, chr1:234,609,052, plus strand): 5'-GGCTCCTCTAGCTTGGAGAAGCCGTTGGGCACCAGGATGCCGTTCACGGGCGGCGGCTGC[G>A]GCGTCGGCGGCTGGGCCAGGCTCGCTGCCGGGCGGCTGCTGCCGAAGTCAGAGCCGAGGC-3'
Protein context (NP_892017.2, residues 138-158): PAASLAQPPT[Pro148Leu]QPPPVNGILV

ClinVar aggregate classification (germline): Uncertain significance (1 of 4 stars; one submission).

Submission:

Labcorp Genetics (formerly Invitae), Labcorp
Classification: Uncertain significance. Last evaluated: 2024-08-29. Review status: criteria provided, single submitter. Criteria: Invitae Variant Classification Sherloc (09022015). Collection method: clinical testing. Allele origin: germline.
Comment: This sequence change replaces proline, which is neutral and non-polar, with leucine, which is neutral and non-polar, at codon 148 of the IRF2BP2 protein (p.Pro148Leu). This variant is not present in population databases (gnomAD no frequency). This variant has not been reported in the literature in individuals affected with IRF2BP2-related conditions. An algorithm developed to predict the effect of missense changes on protein structure and function (PolyPhen-2) suggests that this variant is likely to be tolerated. In summary, the available evidence is currently insufficient to determine the role of this variant in disease. Therefore, it has been classified as a Variant of Uncertain Significance.